The following is an entry in ClinVar:

NM_004706.4(ARHGEF1):c.-17C>T

Gene: ARHGEF1 (Rho guanine nucleotide exchange factor 1; plus strand). Cytogenetic location: 19q13.2.
Variant type: single nucleotide variant.
Coding change: c.-17C>T on transcript NM_004706.4 (MANE Select); 17 bases upstream of the start codon, C replaced by T.
Molecular consequence: 5 prime UTR variant. On other transcripts: missense variant (1).
Genome position (GRCh38, 1-based): chr19:41,888,066, C>T. VCF-style: chr19-41888066-C-T. GRCh37 (hg19) VCF-style: chr19-42392137-C-T.
Other names: c.-17C>T (NM_198977.2); c.29C>T, p.Pro10Leu (NM_199002.2); short protein forms P10L.
Identifiers: ClinVar variation 1050715 (VCV001050715.9), dbSNP rs545895111, ClinGen allele CA9465735.

ClinVar aggregate classification (germline): Likely benign. Review status: criteria provided, single submitter (1 of 4 stars). 2 submissions from 2 submitters: Likely benign (1). 1 of the submissions does not count toward it. Last evaluated 2025-11-03.

Allele frequency attached by ClinVar (database versions not stated): TOPMed 0.00002; gnomAD 0.00019; gnomAD exomes 0.00027 and 0.00056; ExAC 0.00059; 1000 Genomes Project 0.00120; 1000 Genomes Project 30x 0.00141.
gnomAD v4.1: 424 of 1,612,660 alleles (0.026%); highest among the groups gnomAD compares: South Asian, 0.44%; 6 homozygotes.

Submissions (2):

Labcorp Genetics (formerly Invitae), Labcorp
Classification: Likely benign. Last evaluated: 2025-11-03. Review status: criteria provided, single submitter. Criteria: Invitae Variant Classification Sherloc (09022015). Collection method: clinical testing. Allele origin: germline.

Department of Pathology and Laboratory Medicine, Sinai Health System
Classification: Uncertain significance. Review status: no assertion criteria provided. Collection method: clinical testing. Allele origin: unknown. Affected: yes. Study: The Canadian Open Genetics Repository (COGR). Not counted in ClinVar's aggregate classification.
Comment: The ARHGEF1 p.Pro10Leu variant was identified in dbSNP (ID: rs545895111) but was not identified in ClinVar, Clinvitae, Cosmic, or LOVD 3.0, nor identified in the literature. The variant was identified in control databases in 140 of 249838 chromosomes at a frequency of 0.00056, increasing the likelihood this could be a low frequency benign variant (Genome Aggregation Database March 6, 2019, v2.1.1). The variant was observed in the South Asian population in 138 of 30590 chromosomes (freq: 0.004511) and the European (non-Finnish) population in 2 of 112612 chromosomes (freq: 0.000018), but was not observed in the African, Latino, Ashkenazi Jewish, East Asian, European (Finnish), or other populations. The p.Pro10 residue is not conserved in mammals and computational analyses (PolyPhen-2, SIFT, AlignGVGD, BLOSUM, MutationTaster) provide inconsistent predictions regarding the impact to the protein. The variant occurs outside of the splicing consensus sequence and in silico or computational prediction software programs (SpliceSiteFinder, MaxEntScan, NNSPLICE, GeneSplicer) do not predict a difference in splicing. In summary, based on the above information the clinical significance of this variant cannot be determined with certainty at this time. This variant is classified as a variant of uncertain significance.